The following is an entry in ClinVar:

ClinVar aggregate classification (germline): Uncertain significance (1 of 4 stars; one submission).

Conditions:
Alstrom syndrome (ALMS). Identifiers: Orphanet 64, MedGen C0268425, MONDO:0008763, OMIM 203800.

Submission:

Labcorp Genetics (formerly Invitae), Labcorp
Classification: Uncertain significance for Alstrom syndrome. Last evaluated: 2022-04-15. Review status: criteria provided, single submitter. Criteria: Invitae Variant Classification Sherloc (09022015). Collection method: clinical testing. Allele origin: germline.
Comment: In summary, the available evidence is currently insufficient to determine the role of this variant in disease. Therefore, it has been classified as a Variant of Uncertain Significance. Experimental studies and prediction algorithms are not available or were not evaluated, and the functional significance of this variant is currently unknown. This variant has not been reported in the literature in individuals affected with ALMS1-related conditions. This variant is not present in population databases (gnomAD no frequency). This sequence change replaces serine, which is neutral and polar, with cysteine, which is neutral and slightly polar, at codon 1058 of the ALMS1 protein (p.Ser1058Cys).

NM_001378454.1(ALMS1):c.3169A>T (p.Ser1057Cys)

Gene: ALMS1 (ALMS1 centrosome and basal body associated protein; plus strand). Cytogenetic location: 2p13.1.
Variant type: single nucleotide variant.
Coding change: c.3169A>T on transcript NM_001378454.1 (MANE Select); coding-DNA position 3169, A replaced by T.
Protein change: p.Ser1057Cys; replaces serine 1057 with cysteine.
Molecular consequence: missense variant.
Genome position (GRCh38, 1-based): chr2:73,449,696, A>T. VCF-style: chr2-73449696-A-T. GRCh37 (hg19) VCF-style: chr2-73676823-A-T.
Other names: c.3172A>T, p.Ser1058Cys (NM_015120.4); short protein forms S1057C, S1058C.
Identifiers: ClinVar variation 2192653 (VCV002192653.2), dbSNP rs750417761, ClinGen allele CA347274075.